The following is an entry in ClinVar:

ClinVar aggregate classification (germline): Likely benign. Review status: criteria provided, multiple submitters, no conflicts (2 of 4 stars). 2 submissions from 2 submitters: Likely benign (2). Last evaluated 2026-01-28.

Conditions:
BAP1-related tumor predisposition syndrome (TPDS1). Also called: COMMON Syndrome; Tumor susceptibility linked to germline BAP1 mutations; TUMOR PREDISPOSITION SYNDROME 1; BAP1 tumor predisposition syndrome. Identifiers: Orphanet 289539, MedGen C3280492, MONDO:0013692, OMIM 614327.

Submissions (2):

Labcorp Genetics (formerly Invitae), Labcorp
Classification: Likely benign for BAP1-related tumor predisposition syndrome. Last evaluated: 2026-01-28. Review status: criteria provided, single submitter. Criteria: Invitae Variant Classification Sherloc (09022015). Collection method: clinical testing. Allele origin: germline.

Myriad Genetics, Inc.
Classification: Likely benign for BAP1-related tumor predisposition syndrome. Last evaluated: 2024-07-11. Review status: criteria provided, single submitter. Criteria: Myriad Autosomal Dominant, Autosomal Recessive and X-Linked Classification Criteria (2023). Collection method: clinical testing. Allele origin: unknown.
Comment: This variant is considered likely benign. This variant is intronic and is not expected to impact mRNA splicing.

NM_004656.4(BAP1):c.255+7T>C

Gene: BAP1 (BRCA1 associated deubiquitinase 1; minus strand). Cytogenetic location: 3p21.1.
Variant type: single nucleotide variant.
Coding change: c.255+7T>C on transcript NM_004656.4 (MANE Select); 7 bases into the intron after coding-DNA position 255, T replaced by C.
Molecular consequence: intron variant.
Genome position (GRCh38, 1-based): chr3:52,408,467, A>G on the plus strand (T>C on the coding strand, the complement: BAP1 is on the minus strand). VCF-style: chr3-52408467-A-G. GRCh37 (hg19) VCF-style: chr3-52442483-A-G.
Other names: c.255+7T>C (NM_001410772.1).
Identifiers: ClinVar variation 3379187 (VCV003379187.2).